The following is an entry in ClinVar:

NM_001844.5(COL2A1):c.2491G>C (p.Gly831Arg)

Gene: COL2A1 (collagen type II alpha 1 chain; minus strand). Cytogenetic location: 12q13.11.
Variant type: single nucleotide variant.
Coding change: c.2491G>C on transcript NM_001844.5 (MANE Select); coding-DNA position 2491, G replaced by C.
Protein change: p.Gly831Arg; replaces glycine 831 with arginine.
Molecular consequence: missense variant.
Genome position (GRCh38, 1-based): chr12:47,980,941, C>G on the plus strand (G>C on the coding strand, the complement: COL2A1 is on the minus strand). VCF-style: chr12-47980941-C-G. GRCh37 (hg19) VCF-style: chr12-48374724-C-G.
Other names: c.2284G>C, p.Gly762Arg (NM_033150.3); short protein forms G762R, G831R.
Identifiers: ClinVar variation 1070922 (VCV001070922.9), dbSNP rs1064796660, ClinGen allele CA384544967.

ClinVar aggregate classification (germline): Pathogenic (1 of 4 stars; one submission).

Submission:

Labcorp Genetics (formerly Invitae), Labcorp
Classification: Pathogenic. Last evaluated: 2020-01-28. Review status: criteria provided, single submitter. Criteria: Invitae Variant Classification Sherloc (09022015). Collection method: clinical testing. Allele origin: germline.
Comment: Glycine residues within the Gly-Xaa-Yaa repeats of the triple helix domain are required for the structure and stability of fibrillar collagens (PMID: 7695699, 8218237, 19344236). In COL2A1, missense variants at these glycine residues are significantly enriched in individuals with disease (PMID: 10612821, 26443184) compared to the general population (ExAC). For these reasons, this variant has been classified as Pathogenic. This missense change has been observed in individual(s) with clinical features of autosomal dominant skeletal dysplasia (PMID: 26626311, Invitae). This variant is not present in population databases (ExAC no frequency). This sequence change replaces glycine with arginine at codon 831 of the COL2A1 protein (p.Gly831Arg). The glycine residue is highly conserved and there is a moderate physicochemical difference between glycine and arginine.

Literature cited by the submitters: PubMed 7695699; PubMed 8218237; PubMed 19344236; PubMed 10612821; PubMed 26443184; PubMed 26626311.